The following is an entry in ClinVar:

ClinVar aggregate classification (germline): Uncertain significance. Review status: criteria provided, multiple submitters, no conflicts (2 of 4 stars). 2 submissions from 2 submitters: Uncertain significance (2). Last evaluated 2025-02-07.

Conditions:
Hereditary pancreatitis (PCTT). Also called: Hereditary chronic pancreatitis; PRSS1-Related Hereditary Pancreatitis. Identifiers: Orphanet 676, MedGen C0238339, MONDO:0008185, OMIM 167800.

Submissions (2):

Women's Health and Genetics/Laboratory Corporation of America, LabCorp
Classification: Uncertain significance. Last evaluated: 2025-02-07. Review status: criteria provided, single submitter. Criteria: LabCorp Variant Classification Summary - May 2015. Collection method: clinical testing. Allele origin: germline.
Comment: Variant summary: PRSS1 c.621T>A (p.Asn207Lys) results in a non-conservative amino acid change located in the Serine proteases, trypsin domain profile (IPR001254) of the encoded protein sequence. Three of five in-silico tools predict a benign effect of the variant on protein function. The variant allele was found at a frequency of 4e-06 in 251472 control chromosomes. The available data on variant occurrences in the general population are insufficient to allow any conclusion about variant significance. To our knowledge, no occurrence of c.621T>A in individuals affected with Chronic Pancreatitis Risk and no experimental evidence demonstrating its impact on protein function have been reported. ClinVar contains an entry for this variant (Variation ID: 1752292). Based on the evidence outlined above, the variant was classified as uncertain significance.

Ambry Genetics
Classification: Uncertain significance for Hereditary pancreatitis. Last evaluated: 2024-10-28. Review status: criteria provided, single submitter. Criteria: Ambry Variant Classification Scheme 2023. Collection method: clinical testing. Allele origin: germline.
Comment: The p.N207K variant (also known as c.621T>A), located in coding exon 5 of the PRSS1 gene, results from a T to A substitution at nucleotide position 621. The asparagine at codon 207 is replaced by lysine, an amino acid with similar properties. This amino acid position is conserved. In addition, this alteration is predicted to be tolerated by in silico analysis. Since supporting evidence is limited at this time, the clinical significance of this alteration remains unclear.

NM_002769.5(PRSS1):c.621T>A (p.Asn207Lys)

Genes: PRSS1 (serine protease 1; plus strand), TRB (T cell receptor beta locus; plus strand). Cytogenetic location: 7q34.
Variant type: single nucleotide variant.
Coding change: c.621T>A on transcript NM_002769.5 (MANE Select); coding-DNA position 621, T replaced by A.
Protein change: p.Asn207Lys; replaces asparagine 207 with lysine.
Molecular consequence: missense variant. On other transcripts: non-coding transcript variant (5).
Genome position (GRCh38, 1-based): chr7:142,752,897, T>A. VCF-style: chr7-142752897-T-A. GRCh37 (hg19) VCF-style: chr7-142460748-T-A.
Other names: short protein forms N207K.
Identifiers: ClinVar variation 1752292 (VCV001752292.4), dbSNP rs146995038, ClinGen allele CA4530123.